The following is an entry in ClinVar:

ClinVar aggregate classification (germline): Likely pathogenic (1 of 4 stars; one submission).

Submission:

Labcorp Genetics (formerly Invitae), Labcorp
Classification: Likely pathogenic. Last evaluated: 2025-09-23. Review status: criteria provided, single submitter. Criteria: Invitae Variant Classification Sherloc (09022015). Collection method: clinical testing. Allele origin: germline.
Comment: This sequence change affects a donor splice site in intron 21 of the CC2D1A gene. It is expected to disrupt RNA splicing. Variants that disrupt the donor or acceptor splice site typically lead to a loss of protein function (PMID: 16199547), and loss-of-function variants in CC2D1A are known to be pathogenic (PMID: 16033914). This variant is not present in population databases (gnomAD no frequency). This variant has not been reported in the literature in individuals affected with CC2D1A-related conditions. Algorithms developed to predict the effect of sequence changes on RNA splicing suggest that this variant may disrupt the consensus splice site. In summary, the currently available evidence indicates that the variant is pathogenic, but additional data are needed to prove that conclusively. Therefore, this variant has been classified as Likely Pathogenic.

Literature cited by the submitters: PubMed 16199547; PubMed 16033914.

NM_017721.5(CC2D1A):c.2225+1G>T

Gene: CC2D1A (coiled-coil and C2 domain containing 1A; plus strand). Cytogenetic location: 19p13.12.
Variant type: single nucleotide variant.
Coding change: c.2225+1G>T on transcript NM_017721.5 (MANE Select); the canonical splice donor site of the intron after coding-DNA position 2225, G replaced by T.
Molecular consequence: splice donor variant.
Genome position (GRCh38, 1-based): chr19:13,927,078, G>T. VCF-style: chr19-13927078-G-T. GRCh37 (hg19) VCF-style: chr19-14037891-G-T.
Other names: c.2225+1G>T (NM_001411138.1).
Identifiers: ClinVar variation 4727444 (VCV004727444.1).